The following is an entry in ClinVar:

ClinVar aggregate classification (germline): Uncertain significance. Review status: criteria provided, multiple submitters, no conflicts (2 of 4 stars). 2 submissions from 2 submitters: Uncertain significance (2). Last evaluated 2025-05-23.

Conditions:
Inborn genetic diseases. Identifiers: MedGen C0950123, MeSH D030342.
Baller-Gerold syndrome (BGS). Also called: CRANIOSYNOSTOSIS WITH RADIAL DEFECTS. Identifiers: Orphanet 1225, MedGen C0265308, MONDO:0009039, OMIM 218600.

Submissions (2):

Ambry Genetics
Classification: Uncertain significance for Inborn genetic diseases. Last evaluated: 2025-05-23. Review status: criteria provided, single submitter. Criteria: Ambry Variant Classification Scheme 2023. Collection method: clinical testing. Allele origin: germline.
Comment: The p.R126K variant (also known as c.377G>A), located in coding exon 5 of the RECQL4 gene, results from a G to A substitution at nucleotide position 377. The arginine at codon 126 is replaced by lysine, an amino acid with highly similar properties. This amino acid position is conserved. In addition, this alteration is predicted to be tolerated by in silico analysis. Based on the available evidence, the clinical significance of this variant remains unclear.

Labcorp Genetics (formerly Invitae), Labcorp
Classification: Uncertain significance for Baller-Gerold syndrome. Last evaluated: 2025-02-26. Review status: criteria provided, single submitter. Criteria: Invitae Variant Classification Sherloc (09022015). Collection method: clinical testing. Allele origin: germline.
Comment: This sequence change replaces arginine, which is basic and polar, with lysine, which is basic and polar, at codon 126 of the RECQL4 protein (p.Arg126Lys). This variant is not present in population databases (gnomAD no frequency). This variant has not been reported in the literature in individuals affected with RECQL4-related conditions. ClinVar contains an entry for this variant (Variation ID: 965611). Invitae Evidence Modeling of protein sequence and biophysical properties (such as structural, functional, and spatial information, amino acid conservation, physicochemical variation, residue mobility, and thermodynamic stability) indicates that this missense variant is not expected to disrupt RECQL4 protein function with a negative predictive value of 80%. In summary, the available evidence is currently insufficient to determine the role of this variant in disease. Therefore, it has been classified as a Variant of Uncertain Significance.

NM_004260.4(RECQL4):c.377G>A (p.Arg126Lys)

Gene: RECQL4 (RecQ like helicase 4; minus strand). Cytogenetic location: 8q24.3.
Variant type: single nucleotide variant.
Coding change: c.377G>A on transcript NM_004260.4 (MANE Select); coding-DNA position 377, G replaced by A.
Protein change: p.Arg126Lys; replaces arginine 126 with lysine.
Molecular consequence: missense variant.
Genome position (GRCh38, 1-based): chr8:144,516,742, C>T on the plus strand (G>A on the coding strand, the complement: RECQL4 is on the minus strand). VCF-style: chr8-144516742-C-T. GRCh37 (hg19) VCF-style: chr8-145742126-C-T.
Other names: short protein forms R126K.
Identifiers: ClinVar variation 965611 (VCV000965611.8), dbSNP rs1815101790, ClinGen allele CA372691711.